The following is an entry in ClinVar:

ClinVar aggregate classification (germline): Uncertain significance (1 of 4 stars; one submission).

gnomAD v4.1: 1 of 1,612,638 alleles (0.000062%); highest among the groups gnomAD compares: Non-Finnish European, 0.000085%; no homozygotes.

Submission:

Labcorp Genetics (formerly Invitae), Labcorp
Classification: Uncertain significance. Last evaluated: 2020-11-23. Review status: criteria provided, single submitter. Criteria: Invitae Variant Classification Sherloc (09022015). Collection method: clinical testing. Allele origin: germline.
Comment: This sequence change replaces proline with alanine at codon 99 of the COL4A3 protein (p.Pro99Ala). The proline residue is highly conserved and there is a small physicochemical difference between proline and alanine. This variant is not present in population databases (ExAC no frequency). In summary, the available evidence is currently insufficient to determine the role of this variant in disease. Therefore, it has been classified as a Variant of Uncertain Significance. Advanced modeling of protein sequence and biophysical properties (such as structural, functional, and spatial information, amino acid conservation, physicochemical variation, residue mobility, and thermodynamic stability) performed at Invitae indicates that this missense variant is not expected to disrupt COL4A3 protein function. This variant has not been reported in the literature in individuals with COL4A3-related conditions.

NM_000091.5(COL4A3):c.295C>G (p.Pro99Ala)

Genes: COL4A3 (collagen type IV alpha 3 chain; plus strand), MFF-DT (MFF divergent transcript; minus strand). Cytogenetic location: 2q36.3.
Variant type: single nucleotide variant.
Coding change: c.295C>G on transcript NM_000091.5 (MANE Select); coding-DNA position 295, C replaced by G.
Protein change: p.Pro99Ala; replaces proline 99 with alanine.
Molecular consequence: missense variant.
Genome position (GRCh38, 1-based): chr2:227,244,966, C>G. VCF-style: chr2-227244966-C-G. GRCh37 (hg19) VCF-style: chr2-228109682-C-G.
Other names: short protein forms P99A.
Identifiers: ClinVar variation 1437941 (VCV001437941.8), dbSNP rs774434848, ClinGen allele CA350860872.